The following is an entry in ClinVar:

NM_198578.4(LRRK2):c.5225G>C (p.Trp1742Ser)

Gene: LRRK2 (leucine rich repeat kinase 2; plus strand). Cytogenetic location: 12q12.
Variant type: single nucleotide variant.
Coding change: c.5225G>C on transcript NM_198578.4 (MANE Select); coding-DNA position 5225, G replaced by C.
Protein change: p.Trp1742Ser; replaces tryptophan 1742 with serine.
Molecular consequence: missense variant.
Genome position (GRCh38, 1-based): chr12:40,322,089, G>C. VCF-style: chr12-40322089-G-C. GRCh37 (hg19) VCF-style: chr12-40715891-G-C.
Other names: short protein forms W1742S.
Identifiers: ClinVar variation 1746174 (VCV001746174.7), dbSNP rs1775116782, ClinGen allele CA384420277.

ClinVar aggregate classification (germline): Uncertain significance. Review status: criteria provided, multiple submitters, no conflicts (2 of 4 stars). 3 submissions from 3 submitters: Uncertain significance (3). Last evaluated 2025-06-15.

Conditions:
Autosomal dominant Parkinson disease 8. Also called: Parkinson disease 8, susceptibility to; LRRK2-Related Parkinson Disease; Parkinson disease 8. Identifiers: Orphanet 411602, MedGen C1846862, MONDO:0011764, OMIM 607060.
Inborn genetic diseases. Identifiers: MedGen C0950123, MeSH D030342.

Allele frequency attached by ClinVar (database versions not stated): TOPMed below 0.00001.

Submissions (3):

Dasa
Classification: Uncertain significance for Autosomal dominant Parkinson disease 8. Last evaluated: 2025-06-15. Review status: criteria provided, single submitter. Criteria: DASA Assertion Criteria. Collection method: clinical testing. Allele origin: germline.
Comment: NM_198578.4(LRRK2):c.5225G>C (p.Trp1742Ser) is a missense variant that results in the substitution of tryptophan with serine. This variant is absent from population databases. Computational prediction algorithms are consistent with a deleterious effect. The currently available literature and clinical evidence are not sufficient to establish a definitive association between this variant and the reported condition. Therefore, this variant is classified as a variant of uncertain significance.

Labcorp Genetics (formerly Invitae), Labcorp
Classification: Uncertain significance for Autosomal dominant Parkinson disease 8. Last evaluated: 2024-08-14. Review status: criteria provided, single submitter. Criteria: Invitae Variant Classification Sherloc (09022015). Collection method: clinical testing. Allele origin: germline.
Comment: This sequence change replaces tryptophan, which is neutral and slightly polar, with serine, which is neutral and polar, at codon 1742 of the LRRK2 protein (p.Trp1742Ser). This variant is not present in population databases (gnomAD no frequency). This variant has not been reported in the literature in individuals affected with LRRK2-related conditions. ClinVar contains an entry for this variant (Variation ID: 1746174). Invitae Evidence Modeling of protein sequence and biophysical properties (such as structural, functional, and spatial information, amino acid conservation, physicochemical variation, residue mobility, and thermodynamic stability) has been performed for this missense variant. However, the output from this modeling did not meet the statistical confidence thresholds required to predict the impact of this variant on LRRK2 protein function. In summary, the available evidence is currently insufficient to determine the role of this variant in disease. Therefore, it has been classified as a Variant of Uncertain Significance.

Ambry Genetics
Classification: Uncertain significance for Inborn genetic diseases. Last evaluated: 2023-11-06. Review status: criteria provided, single submitter. Criteria: Ambry Variant Classification Scheme 2023. Collection method: clinical testing. Allele origin: germline.
Comment: The p.W1742S variant (also known as c.5225G>C), located in coding exon 36 of the LRRK2 gene, results from a G to C substitution at nucleotide position 5225. The tryptophan at codon 1742 is replaced by serine, an amino acid with highly dissimilar properties. This amino acid position is conserved. In addition, this alteration is predicted to be deleterious by in silico analysis. Since supporting evidence is limited at this time, the clinical significance of this alteration remains unclear.